The following is an entry in ClinVar:

ClinVar aggregate classification (germline): Pathogenic. Review status: criteria provided, multiple submitters, no conflicts (2 of 4 stars). 14 submissions from 14 submitters: Pathogenic (14). Last evaluated 2025-12-31.

Conditions:
Cardiovascular phenotype. Identifiers: MedGen CN230736.
MYBPC3-related disorder. Also called: MYBPC3-related disorders; MYBPC3-related condition; MYBPC3-related disease.
Hypertrophic cardiomyopathy 4. Also called: Familial hypertrophic cardiomyopathy 4. Identifiers: MedGen C1861862, MONDO:0007268, OMIM 115197.
Left ventricular noncompaction 10 (LVNC10). Identifiers: Orphanet 154, Orphanet 54260, MedGen C3715165, MONDO:0014163, OMIM 615396.
Cardiomyopathy (CMYO). Also called: Cardiomyopathies. Identifiers: Orphanet 167848, MedGen C0878544, MONDO:0004994, HP:0001638. Inheritance: Various modes of inheritance.
Primary familial hypertrophic cardiomyopathy (HCM). Identifiers: Orphanet 99739, MedGen C0949658, MeSH D024741, MONDO:0024573. Inheritance: Various modes of inheritance.
Hypertrophic cardiomyopathy. Also called: HYPERTROPHIC MYOCARDIOPATHY. Identifiers: Orphanet 217569, MedGen C0007194, MeSH D002312, MONDO:0005045, HP:0001639.

Submissions 1 to 12 of 14:

Labcorp Genetics (formerly Invitae), Labcorp
Classification: Pathogenic for Hypertrophic cardiomyopathy. Last evaluated: 2025-12-31. Review status: criteria provided, single submitter. Criteria: Invitae Variant Classification Sherloc (09022015). Collection method: clinical testing. Allele origin: germline.
Comment: This sequence change affects an acceptor splice site in intron 23 of the MYBPC3 gene. It is expected to disrupt RNA splicing. Variants that disrupt the donor or acceptor splice site typically lead to a loss of protein function (PMID: 16199547), and loss-of-function variants in MYBPC3 are known to be pathogenic (PMID: 19574547). This variant is not present in population databases (gnomAD no frequency). Disruption of this splice site has been observed in individuals with hypertrophic cardiomyopathy (PMID: 15519027, 21302287, 24704860, 25740977, 27483260, 27600940). ClinVar contains an entry for this variant (Variation ID: 42613). Algorithms developed to predict the effect of sequence changes on RNA splicing suggest that this variant may disrupt the consensus splice site. For these reasons, this variant has been classified as Pathogenic.

Variantyx, Inc.
Classification: Pathogenic for Hypertrophic cardiomyopathy 4. Last evaluated: 2025-12-09. Review status: criteria provided, single submitter. Criteria: Variantyx Assertion Criteria 2022. Collection method: clinical testing. Allele origin: germline. Inheritance: Autosomal dominant inheritance.
Comment: This is a canonical splicing variant in the MYBPC3 gene (OMIM: 600958). Pathogenic variants in this gene have been associated with autosomal dominant hypertrophic cardiomyopathy 4. This splicing variant is expected to result in loss of function, which is a known disease mechanism for MYBPC3 in this disorder (PMID: 19574547) (PVS1). It has been reported in several unrelated affected individuals (PMID: 27532257, 31589614, 32746448, 34542152, 34714385, 37089884, 37652022) (PS4), while it is absent from control populations (PM2). Based on the current evidence, this variant is classified as pathogenic for autosomal dominant hypertrophic cardiomyopathy 4.

Molecular Diagnostic Laboratory for Inherited Cardiovascular Disease, Montreal Heart Institute
Classification: Pathogenic for Cardiovascular phenotype. Last evaluated: 2025-11-21. Review status: criteria provided, single submitter. Criteria: ACMG Guidelines, 2015. Collection method: clinical testing. Allele origin: germline. Affected: yes.
Comment: PVS1, PS4, PM2, PP1_strong

Mayo Clinic Laboratories, Mayo Clinic
Classification: Pathogenic. Last evaluated: 2025-09-17. Review status: criteria provided, single submitter. Criteria: ACMG Guidelines, 2015. Collection method: clinical testing. Allele origin: germline. Observed: 1 variant allele.
Comment: PM2_supporting, PS4, PVS1

Color Diagnostics, LLC DBA Color Health
Classification: Pathogenic for Cardiomyopathy. Last evaluated: 2025-01-14. Review status: criteria provided, single submitter. Criteria: ACMG Guidelines, 2015. Collection method: clinical testing. Allele origin: germline.
Comment: This variant causes an A>G nucleotide substitution at the canonical -2 position of intron 23 splice acceptor site of the MYBPC3 gene. Splice site prediction tools suggest that this variant may have a significant impact on RNA splicing. Although this prediction has not been confirmed in published RNA studies, this variant is expected to result in an absent or disrupted protein product. This variant has been reported in more than 30 individuals affected with hypertrophic cardiomyopathy (PMID: 15519027, 21302287, 23782526, 24704860, 24835277, 25611685, 25740977, 27600940, 27483260, 27532257, 28408708, 28615295, 28790153, 29875424, 31424582, 32481709, 32746448, 33495596, 37821546). It has been shown that this variant segregates with disease in multiple affected individuals across multiple families (PMID: 28615295; ClinVar SCV000059130.5). This variant has not been identified in the general population by the Genome Aggregation Database (gnomAD). Loss of MYBPC3 function is a known mechanism of disease. Based on the available evidence, this variant is classified as Pathogenic.

Blueprint Genetics
Classification: Pathogenic for MYBPC3-related disorders. Last evaluated: 2024-07-29. Review status: criteria provided, single submitter. Criteria: ACMG Guidelines, 2015. Collection method: clinical testing. Allele origin: germline. Affected: yes. Observed: 2 variant alleles.

All of Us Research Program, National Institutes of Health
Classification: Pathogenic for Hypertrophic cardiomyopathy. Last evaluated: 2024-02-28. Review status: criteria provided, single submitter. Criteria: ACMG Guidelines, 2015. Collection method: clinical testing. Allele origin: germline. Inheritance: Autosomal dominant inheritance. Observed: 1 variant allele, 1 heterozygote.
Comment: This variant disrupts a canonical splice site and is predicted to result in abnormal splicing. Aberrant splicing and/or loss of function is an established mechanism of disease. This variant has been reported in multiple individuals with hypertrophic cardiomyopathy (PMID: 15519027, 21302287, 24704860, 26656175, 27600940, 27483260, 31424582, 28408708). It is absent from large population databases, including the Genome Aggregation Database.

This study involves interpretation of variants in research participants for the purpose of population health screening. Participant phenotype was not available at the time of variant classification. Additional details can be found in publication PMID: 35346344, PMCID: PMC8962531

CHEO Genetics Diagnostic Laboratory, Children's Hospital of Eastern Ontario
Classification: Pathogenic for Cardiomyopathy. Last evaluated: 2023-02-01. Review status: criteria provided, single submitter. Criteria: ACMG Guidelines, 2015. Collection method: clinical testing. Allele origin: germline.

GeneDx
Classification: Pathogenic. Last evaluated: 2022-09-16. Review status: criteria provided, single submitter. Criteria: GeneDx Variant Classification Process June 2021. Collection method: clinical testing. Allele origin: germline. Affected: yes.
Comment: Not observed in large population cohorts (gnomAD); Reported in ClinVar as a pathogenic variant (ClinVar Variant ID# 42613; ClinVar); Canonical splice site variant expected to result in aberrant splicing, although in the absence of functional evidence the actual effect of this sequence change is unknown.; This variant is associated with the following publications: (PMID: 25525159, 34542152, 21302287, 27483260, 27532257, 15519027, 23782526, 27600940, 24704860, 25740977, 11815426, 25351510, 26656175, 25524337, 31589614, 32746448)

Ambry Genetics
Classification: Pathogenic for Cardiovascular phenotype. Last evaluated: 2021-12-28. Review status: criteria provided, single submitter. Criteria: Ambry General Variant Classification Scheme_2022. Collection method: clinical testing. Allele origin: germline. Observed: 1 variant allele.
Comment: The c.2309-2A>G intronic pathogenic mutation results from an A to G substitution two nucleotides upstream from coding exon 24 in the MYBPC3 gene. Alterations that disrupt the canonical splice site are expected to result in aberrant splicing. In silico splice site analysis predicts that this alteration will weaken the native splice acceptor site and will result in the creation or strengthening of a novel splice acceptor site. The resulting transcript is predicted to be in-frame and is not expected to trigger nonsense-mediated mRNAdecay; however, direct evidence is unavailable. This alteration has been reported in numerous individuals with hypertrophic cardiomyopathy (Ambry internal data; Van Driest SL, J. Am. Coll. Cardiol. 2004 Nov; 44(9):1903-10; Roncarati R, J. Cell. Physiol. 2011 Nov; 226(11):2894-900; Lopes LR, Heart 2015 Feb; 101(4):294-301; Rubattu S et al. Int J Mol Sci. 2016;17(8); Walsh R et al Genet Med. 2017;19(2):192-203; Burstein DS et al. Pediatr Res, 2021 05;89:1470-1476). This variant is considered to be rare based on population cohorts in the Genome Aggregation Database (gnomAD). Based on the supporting evidence, this alteration is interpreted as a disease-causing mutation.

Genetics and Molecular Pathology, SA Pathology
Classification: Pathogenic for Hypertrophic cardiomyopathy 4. Last evaluated: 2021-10-26. Review status: criteria provided, single submitter. Criteria: ACMG Guidelines, 2015. Collection method: clinical testing. Allele origin: germline. Affected: yes.

Fulgent Genetics
Classification: Pathogenic for Hypertrophic cardiomyopathy 4; Left ventricular noncompaction 10. Last evaluated: 2021-09-18. Review status: criteria provided, single submitter. Criteria: ACMG Guidelines, 2015. Collection method: clinical testing. Allele origin: unknown.

NM_000256.3(MYBPC3):c.2309-2A>G

Gene: MYBPC3 (myosin binding protein C3; minus strand). Cytogenetic location: 11p11.2.
Variant type: single nucleotide variant.
Coding change: c.2309-2A>G on transcript NM_000256.3 (MANE Select); the canonical splice acceptor site of the intron before coding-DNA position 2309, A replaced by G.
Molecular consequence: splice acceptor variant.
Genome position (GRCh38, 1-based): chr11:47,337,796, T>C on the plus strand (A>G on the coding strand, the complement: MYBPC3 is on the minus strand). VCF-style: chr11-47337796-T-C. GRCh37 (hg19) VCF-style: chr11-47359347-T-C.
Identifiers: ClinVar variation 42613 (VCV000042613.34), dbSNP rs111729952, ClinGen allele CA012043.
Genomic context (GRCh38, chr11:47,337,796, plus strand): 5'-TGTGCAGGAGTCCTCTCCCACGTTGCTGATCTTGGGGGCCGCAGGTGCGTCTGGCACGTC[T>C]GGATGGGGTGGGATGGACCCACATCAGCCCTGCCCCGCTCAGGGCCTTGAGTAACGTTGC-3'